The following is an entry in ClinVar:

ClinVar aggregate classification (germline): Benign (0 of 4 stars; one submission).

Conditions:
GPR174-related disorder. Also called: GPR174-related condition.

Allele frequency attached by ClinVar (database versions not stated): gnomAD exomes 0.00030; ExAC 0.00131; gnomAD 0.00310; TOPMed 0.00362; 1000 Genomes Project 0.00371; 1000 Genomes Project 30x 0.00395; ESP Exome Variant Server 0.00445.
gnomAD v4.1: 683 of 1,209,154 alleles (0.056%); highest among the groups gnomAD compares: African/African-American, 1.1%; 1 homozygote.

Submission:

PreventionGenetics, part of Exact Sciences
Classification: Benign for GPR174-related condition. Last evaluated: 2019-07-03. Review status: no assertion criteria provided. Collection method: clinical testing. Allele origin: germline.
Comment: This variant is classified as benign based on ACMG/AMP sequence variant interpretation guidelines (Richards et al. 2015 PMID: 25741868, with internal and published modifications).

NM_032553.3(GPR174):c.606A>G (p.Leu202=)

Gene: GPR174 (G protein-coupled receptor 174; plus strand). Cytogenetic location: Xq21.1.
Variant type: single nucleotide variant.
Coding change: c.606A>G on transcript NM_032553.3 (MANE Select); coding-DNA position 606, A replaced by G.
Protein change: p.Leu202=; no amino-acid change (leucine 202 retained).
Molecular consequence: synonymous variant.
Genome position (GRCh38, 1-based): chrX:79,171,613, A>G. VCF-style: chrX-79171613-A-G. GRCh37 (hg19) VCF-style: chrX-78427110-A-G.
Identifiers: ClinVar variation 3042805 (VCV003042805.2), dbSNP rs146231527, ClinGen allele CA10460884.
Genomic context (GRCh38, chrX:79,171,613, plus strand): 5'-CGTTGTTATGATGACCATTGGCGAGTTGATTGGGTTTGTAACTCCGCTTCTGATTGTCCT[A>G]TATTGTACCTGGAAGACGGTTTTATCACTGCAAGATAAATATCCCATGGCCCAAGATCTT-3'
Protein context (NP_115942.1, residues 192-212): IGFVTPLLIV[Leu202=]YCTWKTVLSL